The following is an entry in ClinVar:

NM_199069.2(NDUFAF3):c.486A>G (p.Val162=)

Gene: NDUFAF3 (NADH:ubiquinone oxidoreductase complex assembly factor 3; plus strand). Cytogenetic location: 3p21.31.
Variant type: single nucleotide variant.
Coding change: c.486A>G on transcript NM_199069.2 (MANE Select); coding-DNA position 486, A replaced by G.
Protein change: p.Val162=; no amino-acid change (valine 162 retained).
Molecular consequence: synonymous variant.
Genome position (GRCh38, 1-based): chr3:49,023,103, A>G. VCF-style: chr3-49023103-A-G. GRCh37 (hg19) VCF-style: chr3-49060536-A-G.
Other names: c.315A>G, p.Val105= (NM_199070.2, NM_199073.2, NM_199074.2).
Identifiers: ClinVar variation 1695075 (VCV001695075.31), dbSNP rs2106775585, ClinGen allele CA433553882.

ClinVar aggregate classification (germline): Likely benign (1 of 4 stars; one submission).

Submission:

CeGaT Center for Human Genetics Tuebingen
Classification: Likely benign. Last evaluated: 2022-06-01. Review status: criteria provided, single submitter. Criteria: CeGaT Center For Human Genetics Tuebingen Variant Classification Criteria Version 2. Collection method: clinical testing. Allele origin: germline. Affected: yes. Observed: 1 variant allele.
Comment: NDUFAF3: PM2:Supporting, BP4, BP7